The following is an entry in ClinVar:

ClinVar aggregate classification (germline): Uncertain significance (1 of 4 stars; one submission).

Allele frequency attached by ClinVar (database versions not stated): ExAC 0.00001; gnomAD 0.00001.
gnomAD v4.1: 12 of 1,609,102 alleles (0.00075%); highest among the groups gnomAD compares: Middle Eastern, 0.016%; no homozygotes.

Submission:

Labcorp Genetics (formerly Invitae), Labcorp
Classification: Uncertain significance. Last evaluated: 2022-08-12. Review status: criteria provided, single submitter. Criteria: Invitae Variant Classification Sherloc (09022015). Collection method: clinical testing. Allele origin: germline.
Comment: In summary, the available evidence is currently insufficient to determine the role of this variant in disease. Therefore, it has been classified as a Variant of Uncertain Significance. Algorithms developed to predict the effect of missense changes on protein structure and function are either unavailable or do not agree on the potential impact of this missense change (SIFT: "Deleterious"; PolyPhen-2: "Probably Damaging"; Align-GVGD: "Class C0"). This variant is present in population databases (rs769364804, gnomAD 0.0008%). This variant has not been reported in the literature in individuals affected with TTLL5-related conditions. This sequence change replaces valine, which is neutral and non-polar, with methionine, which is neutral and non-polar, at codon 230 of the TTLL5 protein (p.Val230Met).

NM_015072.5(TTLL5):c.688G>A (p.Val230Met)

Gene: TTLL5 (tubulin tyrosine ligase like 5; plus strand). Cytogenetic location: 14q24.3.
Variant type: single nucleotide variant.
Coding change: c.688G>A on transcript NM_015072.5 (MANE Select); coding-DNA position 688, G replaced by A.
Protein change: p.Val230Met; replaces valine 230 with methionine.
Molecular consequence: missense variant.
Genome position (GRCh38, 1-based): chr14:75,707,655, G>A. VCF-style: chr14-75707655-G-A. GRCh37 (hg19) VCF-style: chr14-76173998-G-A.
Other names: short protein forms V230M.
Identifiers: ClinVar variation 1939153 (VCV001939153.4), dbSNP rs769364804, ClinGen allele CA7279047.
Genomic context (GRCh38, chr14:75,707,655, plus strand): 5'-TTTGTGAATACAAACTTTTTTTTTTTAGATTTCAAGTTTGACGTGCGCCTCTATGTGCTC[G>A]TGACTTCCTATGATCCTCTTGTCATCTATCTCTATGAAGAAGGATTGGCTAGGTAAGAAG-3'
Protein context (NP_055887.3, residues 220-240): FKFDVRLYVL[Val230Met]TSYDPLVIYL